The following is an entry in ClinVar:

ClinVar aggregate classification (germline): Likely pathogenic. Review status: criteria provided, single submitter (1 of 4 stars). 2 submissions from 2 submitters: Likely pathogenic (1). 1 of the submissions does not count toward it. Last evaluated 2020-06-02.

Conditions:
Primary coenzyme Q10 deficiency 8. Identifiers: MedGen C4225226, MONDO:0014754, OMIM 616733.

Submissions (2):

Department of Paediatrics and Adolescent Medicine, The University of Hong Kong
Classification: Likely pathogenic for Primary coenzyme Q10 deficiency 8. Last evaluated: 2020-06-02. Review status: criteria provided, single submitter. Criteria: ACMG Guidelines, 2015. Collection method: research. Allele origin: inherited. Inheritance: Autosomal recessive inheritance. Affected: yes.
Comment: By the ACMG guideline 2015, this variant is classified as likely pathogenic (PVS1, PM2). This variant is found to be in trans with a missense variant of uncertain significance. Skin fibroblast study of the patient showed decreased combined complex II + III activity and reduction in COQ10 level, supporting the biallelic changes may be responsible to the individual's phenotype.

OMIM
Classification: Pathogenic for COENZYME Q10 DEFICIENCY, PRIMARY, 8. Last evaluated: 2023-07-05. Review status: no assertion criteria provided. Collection method: literature only. Allele origin: germline. Not counted in ClinVar's aggregate classification.

Literature cited by the submitters: PubMed 32963807 (cited by Department of Paediatrics and Adolescent Medicine, The University of Hong Kong); PubMed 31240163 (cited by Department of Paediatrics and Adolescent Medicine, The University of Hong Kong and OMIM).

NM_016138.5(COQ7):c.599_600delinsTAATGCATC (p.Lys200fs)

Gene: COQ7 (coenzyme Q7, hydroxylase; plus strand). Cytogenetic location: 16p12.3.
Variant type: Indel.
Coding change: c.599_600delinsTAATGCATC on transcript NM_016138.5 (MANE Select); coding-DNA positions 599 to 600, AG replaced by TAATGCATC.
Protein change: p.Lys200fs; shifts the reading frame from lysine 200.
Molecular consequence: frameshift variant. On other transcripts: non-coding transcript variant (3).
Genome position (GRCh38, 1-based): chr16:19,078,103-19,078,104, AG replaced by TAATGCATC. VCF-style: chr16-19078103-AG-TAATGCATC. GRCh37 (hg19) VCF-style: chr16-19089425-AG-TAATGCATC.
Other names: c.485_486delinsTAATGCATC, p.Lys162fs (NM_001190983.2, NM_001370492.1, NM_001370493.1 and 1 more transcripts); c.557_558delinsTAATGCATC, p.Lys186fs (NM_001370489.1); c.530_531delinsTAATGCATC, p.Lys177fs (NM_001370490.1); c.488_489delinsTAATGCATC, p.Lys163fs (NM_001370491.1); c.416_417delinsTAATGCATC, p.Lys139fs (NM_001370495.1); short protein forms K139fs, K162fs, K163fs, K177fs, K186fs, K200fs.
Identifiers: ClinVar variation 929474 (VCV000929474.2), dbSNP rs1962955145, ClinGen allele CA1139664572.